The following is an entry in ClinVar:

ClinVar aggregate classification (germline): Likely benign. Review status: criteria provided, multiple submitters, no conflicts (2 of 4 stars). 4 submissions from 4 submitters: Likely benign (3). 1 of the submissions does not count toward it. Last evaluated 2026-01-04.

Conditions:
EFL1-related disorder. Also called: EFL1-related condition.

Allele frequency attached by ClinVar (database versions not stated): ExAC 0.00002; gnomAD exomes 0.00002 and 0.00004; gnomAD 0.00003 and 0.00004; TOPMed 0.00003; ESP Exome Variant Server 0.00008; 1000 Genomes Project 30x 0.00016; 1000 Genomes Project 0.00020.
gnomAD v4.1: 39 of 1,614,150 alleles (0.0024%); highest among the groups gnomAD compares: Admixed American, 0.01%; no homozygotes.

Submissions (4):

Labcorp Genetics (formerly Invitae), Labcorp
Classification: Likely benign. Last evaluated: 2026-01-04. Review status: criteria provided, single submitter. Criteria: Invitae Variant Classification Sherloc (09022015). Collection method: clinical testing. Allele origin: germline.

CeGaT Center for Human Genetics Tuebingen
Classification: Likely benign. Last evaluated: 2023-07-01. Review status: criteria provided, single submitter. Criteria: CeGaT Center For Human Genetics Tuebingen Variant Classification Criteria Version 2. Collection method: clinical testing. Allele origin: germline. Affected: yes. Observed: 1 variant allele.
Comment: EFL1: BP4, BP7

Blueprint Genetics
Classification: Likely benign. Last evaluated: 2021-02-03. Review status: criteria provided, single submitter. Criteria: ACMG Guidelines, 2015. Collection method: clinical testing. Allele origin: germline.

PreventionGenetics, part of Exact Sciences
Classification: Likely benign for EFL1-related condition. Last evaluated: 2019-06-04. Review status: no assertion criteria provided. Collection method: clinical testing. Allele origin: germline. Not counted in ClinVar's aggregate classification.
Comment: This variant is classified as likely benign based on ACMG/AMP sequence variant interpretation guidelines (Richards et al. 2015 PMID: 25741868, with internal and published modifications).

NM_024580.6(EFL1):c.2625A>G (p.Leu875=)

Gene: EFL1 (elongation factor like GTPase 1; minus strand). Cytogenetic location: 15q25.2.
Variant type: single nucleotide variant.
Coding change: c.2625A>G on transcript NM_024580.6 (MANE Select); coding-DNA position 2625, A replaced by G.
Protein change: p.Leu875=; no amino-acid change (leucine 875 retained).
Molecular consequence: synonymous variant. On other transcripts: non-coding transcript variant (1).
Genome position (GRCh38, 1-based): chr15:82,151,829, T>C on the plus strand (A>G on the coding strand, the complement: EFL1 is on the minus strand). VCF-style: chr15-82151829-T-C. GRCh37 (hg19) VCF-style: chr15-82444170-T-C.
Other names: c.2472A>G, p.Leu824= (NM_001040610.3); c.1836A>G, p.Leu612= (NM_001322844.2); c.2625A>G, p.Leu875= (NM_001322845.2); c.2625A>G (NM_024580.5).
Identifiers: ClinVar variation 1097584 (VCV001097584.34), dbSNP rs199737384, ClinGen allele CA7697721.